The following is an entry in ClinVar:

NC_000007.14:g.128772646A>G

Genes: CALU (calumenin; plus strand), OPN1SW (opsin 1, short wave sensitive; minus strand). Cytogenetic location: 7q32.1.
Variant type: single nucleotide variant.
Molecular consequence: 3 prime UTR variant (on NM_001219.5). On other transcripts: non-coding transcript variant (1).
Genome position: GRCh38 VCF-style: chr7-128772646-A-G. GRCh37 (hg19) VCF-style: chr7-128412700-A-G.
Other names: NM_001708.2:c.941T>C; c.*3479A>G (NM_001130674.3, NM_001199671.2, NM_001199672.2 and 1 more transcripts); c.*3552A>G (NM_001199673.2).
Identifiers: ClinVar variation 858901 (VCV000858901.9), dbSNP rs201497890, ClinGen allele CA4472777.

ClinVar aggregate classification (germline): Uncertain significance (1 of 4 stars; one submission).

Allele frequency attached by ClinVar (database versions not stated): TOPMed 0.00001.
gnomAD v4.1: 15 of 1,614,158 alleles (0.00093%); highest among the groups gnomAD compares: East Asian, 0.033%; no homozygotes.

Submission:

Labcorp Genetics (formerly Invitae), Labcorp
Classification: Uncertain significance. Last evaluated: 2024-11-11. Review status: criteria provided, single submitter. Criteria: Invitae Variant Classification Sherloc (09022015). Collection method: clinical testing. Allele origin: germline.
Comment: This sequence change replaces isoleucine, which is neutral and non-polar, with threonine, which is neutral and polar, at codon 314 of the OPN1SW protein (p.Ile314Thr). This variant is present in population databases (rs201497890, gnomAD 0.02%). This variant has not been reported in the literature in individuals affected with OPN1SW-related conditions. ClinVar contains an entry for this variant (Variation ID: 858901). An algorithm developed to predict the effect of missense changes on protein structure and function (PolyPhen-2) suggests that this variant is likely to be disruptive. In summary, the available evidence is currently insufficient to determine the role of this variant in disease. Therefore, it has been classified as a Variant of Uncertain Significance.